The following is an entry in ClinVar:

ClinVar aggregate classification (germline): Conflicting classifications of pathogenicity. Review status: criteria provided, conflicting classifications (1 of 4 stars). 3 submissions from 3 submitters: Uncertain significance (2); Likely benign (1). Last evaluated 2025-01-06.

Conditions:
Cardiovascular phenotype. Identifiers: MedGen CN230736.
Spinocerebellar ataxia type 19/22 (SCA19). Also called: SPINOCEREBELLAR ATAXIA 19; SPINOCEREBELLAR ATAXIA 22. Identifiers: Orphanet 98772, MedGen C1846367, MONDO:0011819, OMIM 607346.

Allele frequency attached by ClinVar (database versions not stated): ExAC 0.00001; gnomAD 0.00001; gnomAD exomes 0.00001; TOPMed 0.00002.
gnomAD v4.1: 12 of 1,614,054 alleles (0.00074%); highest among the groups gnomAD compares: Admixed American, 0.0017%; no homozygotes.

Submissions (3):

Labcorp Genetics (formerly Invitae), Labcorp
Classification: Likely benign for Spinocerebellar ataxia type 19/22. Last evaluated: 2025-01-06. Review status: criteria provided, single submitter. Criteria: Invitae Variant Classification Sherloc (09022015). Collection method: clinical testing. Allele origin: germline.

Ambry Genetics
Classification: Uncertain significance for Cardiovascular phenotype. Last evaluated: 2024-05-04. Review status: criteria provided, single submitter. Criteria: Ambry Variant Classification Scheme 2023. Collection method: clinical testing. Allele origin: germline.
Comment: The p.R550C variant (also known as c.1648C>T), located in coding exon 6 of the KCND3 gene, results from a C to T substitution at nucleotide position 1648. The arginine at codon 550 is replaced by cysteine, an amino acid with highly dissimilar properties. This amino acid position is conserved. In addition, this alteration is predicted to be deleterious by in silico analysis. Based on the available evidence, the clinical significance of this variant remains unclear.

GeneDx
Classification: Uncertain significance. Last evaluated: 2023-07-03. Review status: criteria provided, single submitter. Criteria: GeneDx Variant Classification Process June 2021. Collection method: clinical testing. Allele origin: germline. Affected: yes.
Comment: Not observed at significant frequency in large population cohorts (gnomAD); In silico analysis supports that this missense variant has a deleterious effect on protein structure/function; Has not been previously published as pathogenic or benign to our knowledge

NM_001378969.1(KCND3):c.1648C>T (p.Arg550Cys)

Gene: KCND3 (potassium voltage-gated channel subfamily D member 3; minus strand). Cytogenetic location: 1p13.2.
Variant type: single nucleotide variant.
Coding change: c.1648C>T on transcript NM_001378969.1 (MANE Select); coding-DNA position 1648, C replaced by T.
Protein change: p.Arg550Cys; replaces arginine 550 with cysteine.
Molecular consequence: missense variant.
Genome position (GRCh38, 1-based): chr1:111,777,144, G>A on the plus strand (C>T on the coding strand, the complement: KCND3 is on the minus strand). VCF-style: chr1-111777144-G-A. GRCh37 (hg19) VCF-style: chr1-112319766-G-A.
Other names: c.1591C>T, p.Arg531Cys (NM_001378970.1, NM_172198.3); c.1648C>T, p.Arg550Cys (NM_004980.5); c.1648C>T (NM_004980.4); short protein forms R550C, R531C.
Identifiers: ClinVar variation 1411863 (VCV001411863.11), dbSNP rs778141653, ClinGen allele CA1007378.